The following is an entry in ClinVar:

ClinVar aggregate classification (germline): Benign/Likely benign. Review status: criteria provided, multiple submitters, no conflicts (2 of 4 stars). 8 submissions from 8 submitters: Benign (4); Likely benign (4). Last evaluated 2026-04-01.

Conditions:
Focal segmental glomerulosclerosis 3, susceptibility to (FSGS3). Identifiers: Orphanet 656, MedGen C1842982, MONDO:0011917, OMIM 607832.
Focal segmental glomerulosclerosis (FSGS). Also called: Glomerulosclerosis, focal; Focal sclerosis with hyalinosis. Identifiers: MedGen C0017668, MONDO:0100313, HP:0000097. Disease mechanism: loss of function.

Allele frequency attached by ClinVar (database versions not stated): 1000 Genomes Project 30x 0.00656; 1000 Genomes Project 0.00659; gnomAD 0.00876 and 0.00890; ExAC 0.00908; gnomAD exomes 0.00935 and 0.01050; ESP Exome Variant Server 0.01007; TOPMed 0.01056.
gnomAD v4.1: 16,788 of 1,613,852 alleles (1%); highest among the groups gnomAD compares: Middle Eastern, 3.2%; 138 homozygotes.

Submissions (8):

CeGaT Center for Human Genetics Tuebingen
Classification: Benign. Last evaluated: 2026-04-01. Review status: criteria provided, single submitter. Criteria: CeGaT Center For Human Genetics Tuebingen Variant Classification Criteria Version 2. Collection method: clinical testing. Allele origin: germline. Affected: yes. Observed: 3 variant alleles.
Comment: CD2AP: BP4, BP7, BS1, BS2

Labcorp Genetics (formerly Invitae), Labcorp
Classification: Benign. Last evaluated: 2026-02-01. Review status: criteria provided, single submitter. Criteria: Invitae Variant Classification Sherloc (09022015). Collection method: clinical testing. Allele origin: germline.

Blueprint Genetics
Classification: Likely benign. Last evaluated: 2024-11-25. Review status: criteria provided, single submitter. Criteria: ACMG Guidelines, 2015. Collection method: clinical testing. Allele origin: germline.

Genome Diagnostics Laboratory, The Hospital for Sick Children
Classification: Likely benign for Focal segmental glomerulosclerosis. Last evaluated: 2022-09-06. Review status: criteria provided, single submitter. Criteria: ACMG Guidelines, 2015. Collection method: clinical testing. Allele origin: germline.

GeneDx
Classification: Likely benign. Last evaluated: 2020-09-13. Review status: criteria provided, single submitter. Criteria: GeneDx Variant Classification Process June 2021. Collection method: clinical testing. Allele origin: germline. Affected: yes.

Illumina Laboratory Services, Illumina
Classification: Benign for Focal segmental glomerulosclerosis 3, susceptibility to. Last evaluated: 2018-01-12. Review status: criteria provided, single submitter. Criteria: ICSL Variant Classification Criteria 13 December 2019. Collection method: clinical testing. Allele origin: germline.
Comment: This variant was observed in the ICSL laboratory as part of a predisposition screen in an ostensibly healthy population. It had not been previously curated by ICSL or reported in the Human Gene Mutation Database (HGMD: prior to June 1st, 2018), and was therefore a candidate for classification through an automated scoring system. Utilizing variant allele frequency, disease prevalence and penetrance estimates, and inheritance mode, an automated score was calculated to assess if this variant is too frequent to cause the disease. Based on the score and internal cut-off values, a variant classified as benign is not then subjected to further curation. The score for this variant resulted in a classification of benign for this disease.

Breakthrough Genomics
Classification: Likely benign. Review status: criteria provided, single submitter. Criteria: ACMG Guidelines, 2015. Collection method: not provided. Allele origin: germline. Inheritance: Unknown mechanism. Affected: yes.

PreventionGenetics, part of Exact Sciences
Classification: Benign. Review status: criteria provided, single submitter. Criteria: ACMG Guidelines, 2015. Collection method: clinical testing. Allele origin: germline.

NM_012120.3(CD2AP):c.696C>T (p.Ser232=)

Gene: CD2AP (CD2 associated protein; plus strand). Cytogenetic location: 6p12.3.
Variant type: single nucleotide variant.
Coding change: c.696C>T on transcript NM_012120.3 (MANE Select); coding-DNA position 696, C replaced by T.
Protein change: p.Ser232=; no amino-acid change (serine 232 retained).
Molecular consequence: synonymous variant.
Genome position (GRCh38, 1-based): chr6:47,574,218, C>T. VCF-style: chr6-47574218-C-T. GRCh37 (hg19) VCF-style: chr6-47541954-C-T.
Identifiers: ClinVar variation 260191 (VCV000260191.28), dbSNP rs140627775, ClinGen allele CA3844059.